The following is an entry in ClinVar:

ClinVar aggregate classification (germline): Uncertain significance (1 of 4 stars; one submission).

Allele frequency attached by ClinVar (database versions not stated): gnomAD exomes 0.00001.
gnomAD v4.1: 4 of 1,583,268 alleles (0.00025%); highest among the groups gnomAD compares: Non-Finnish European, 0.00035%; no homozygotes.

Submission:

Labcorp Genetics (formerly Invitae), Labcorp
Classification: Uncertain significance. Last evaluated: 2023-03-24. Review status: criteria provided, single submitter. Criteria: Invitae Variant Classification Sherloc (09022015). Collection method: clinical testing. Allele origin: germline.
Comment: This variant has not been reported in the literature in individuals affected with POLE2-related conditions. This variant is not present in population databases (gnomAD no frequency). This sequence change falls in intron 3 of the POLE2 gene. It does not directly change the encoded amino acid sequence of the POLE2 protein. Algorithms developed to predict the effect of sequence changes on RNA splicing suggest that this variant may disrupt the consensus splice site. In summary, the available evidence is currently insufficient to determine the role of this variant in disease. Therefore, it has been classified as a Variant of Uncertain Significance.

NM_002692.4(POLE2):c.246-6T>A

Gene: POLE2 (DNA polymerase epsilon 2, accessory subunit; minus strand). Cytogenetic location: 14q21.3.
Variant type: single nucleotide variant.
Coding change: c.246-6T>A on transcript NM_002692.4 (MANE Select); 6 bases into the intron before coding-DNA position 246, T replaced by A.
Molecular consequence: intron variant.
Genome position (GRCh38, 1-based): chr14:49,674,433, A>T on the plus strand (T>A on the coding strand, the complement: POLE2 is on the minus strand). VCF-style: chr14-49674433-A-T. GRCh37 (hg19) VCF-style: chr14-50141151-A-T.
Other names: c.246-217T>A (NM_001197330.2); c.246-6T>A (NM_001348384.2, NM_001197331.3); c.15-6T>A (NM_001348385.2).
Identifiers: ClinVar variation 2781917 (VCV002781917.3), dbSNP rs2502905013, ClinGen allele CA2624731596.
Genomic context (GRCh38, chr14:49,674,433, plus strand): 5'-ATTGTACACAAAGCGTGGAATATCAAATGCTCCTATGATATTGAAAACGTGCTCTCTGAA[A>T]AACATCCCACAAAATACAGACCTGATTTACTAAAACATAAGTACTCTAGGTGAACATGAT-3'